The following is an entry in ClinVar:

NM_000399.5(EGR2):c.916G>A (p.Ala306Thr)

Gene: EGR2 (early growth response 2; minus strand). Cytogenetic location: 10q21.3.
Variant type: single nucleotide variant.
Coding change: c.916G>A on transcript NM_000399.5 (MANE Select); coding-DNA position 916, G replaced by A.
Protein change: p.Ala306Thr; replaces alanine 306 with threonine.
Molecular consequence: missense variant.
Genome position (GRCh38, 1-based): chr10:62,813,722, C>T on the plus strand (G>A on the coding strand, the complement: EGR2 is on the minus strand). VCF-style: chr10-62813722-C-T. GRCh37 (hg19) VCF-style: chr10-64573482-C-T.
Other names: c.916G>A, p.Ala306Thr (NM_001136177.3, NM_001136178.2); c.766G>A, p.Ala256Thr (NM_001136179.3, NM_001321037.2); short protein forms A256T, A306T.
Identifiers: ClinVar variation 1481196 (VCV001481196.6), dbSNP rs1589080827, ClinGen allele CA377028458.

ClinVar aggregate classification (germline): Uncertain significance (1 of 4 stars; one submission).

Conditions:
Charcot-Marie-Tooth disease, type I (CMT1). Also called: Charcot-Marie-Tooth, Type 1; Charcot-Marie-Tooth disease type 1. Identifiers: Orphanet 65753, MedGen C0751036, MONDO:0019011.

Allele frequency attached by ClinVar (database versions not stated): gnomAD exomes below 0.00001.
gnomAD v4.1: 2 of 1,611,132 alleles (0.00012%); highest among the groups gnomAD compares: Non-Finnish European, 0.000085%; no homozygotes.

Submission:

Labcorp Genetics (formerly Invitae), Labcorp
Classification: Uncertain significance for Charcot-Marie-Tooth disease, type I. Last evaluated: 2021-08-19. Review status: criteria provided, single submitter. Criteria: Invitae Variant Classification Sherloc (09022015). Collection method: clinical testing. Allele origin: germline.
Comment: This sequence change replaces alanine with threonine at codon 306 of the EGR2 protein (p.Ala306Thr). The alanine residue is weakly conserved and there is a small physicochemical difference between alanine and threonine. This variant is not present in population databases (ExAC no frequency). This variant has not been reported in the literature in individuals affected with EGR2-related conditions. Algorithms developed to predict the effect of missense changes on protein structure and function output the following: SIFT: "Not Available"; PolyPhen-2: "Benign"; Align-GVGD: "Not Available". The threonine amino acid residue is found in multiple mammalian species, which suggests that this missense change does not adversely affect protein function. In summary, the available evidence is currently insufficient to determine the role of this variant in disease. Therefore, it has been classified as a Variant of Uncertain Significance.